The following is an entry in ClinVar:

NM_003265.3(TLR3):c.904T>C (p.Tyr302His)

Gene: TLR3 (toll like receptor 3; plus strand). Cytogenetic location: 4q35.1.
Variant type: single nucleotide variant.
Coding change: c.904T>C on transcript NM_003265.3 (MANE Select); coding-DNA position 904, T replaced by C.
Protein change: p.Tyr302His; replaces tyrosine 302 with histidine.
Molecular consequence: missense variant.
Genome position (GRCh38, 1-based): chr4:186,082,590, T>C. VCF-style: chr4-186082590-T-C. GRCh37 (hg19) VCF-style: chr4-187003744-T-C.
Other names: short protein forms Y302H.
Identifiers: ClinVar variation 3718206 (VCV003718206.2).

ClinVar aggregate classification (germline): Uncertain significance (1 of 4 stars; one submission).

Conditions:
Encephalopathy, acute, infection-induced (herpes-specific), susceptibility to, 1. Also called: Herpes simplex encephalitis, susceptibility to, 1. Identifiers: Orphanet 1930, MedGen C2750180, MONDO:0024563, OMIM 610551.

gnomAD v4.1: 10 of 1,614,054 alleles (0.00062%); highest among the groups gnomAD compares: African/African-American, 0.013%; no homozygotes.

Submission:

Labcorp Genetics (formerly Invitae), Labcorp
Classification: Uncertain significance for Encephalopathy, acute, infection-induced (herpes-specific), susceptibility to, 1. Last evaluated: 2024-12-04. Review status: criteria provided, single submitter. Criteria: Invitae Variant Classification Sherloc (09022015). Collection method: clinical testing. Allele origin: germline.
Comment: This sequence change replaces tyrosine, which is neutral and polar, with histidine, which is basic and polar, at codon 302 of the TLR3 protein (p.Tyr302His). This variant is present in population databases (no rsID available, gnomAD 0.02%). This variant has not been reported in the literature in individuals affected with TLR3-related conditions. An algorithm developed to predict the effect of missense changes on protein structure and function outputs the following: PolyPhen-2: "Benign". The histidine amino acid residue is found in multiple mammalian species, which suggests that this missense change does not adversely affect protein function. In summary, the available evidence is currently insufficient to determine the role of this variant in disease. Therefore, it has been classified as a Variant of Uncertain Significance.